The following is an entry in ClinVar:

ClinVar aggregate classification (germline): Uncertain significance (1 of 4 stars; one submission).

Conditions:
Hereditary cancer-predisposing syndrome. Also called: Neoplastic Syndromes, Hereditary; Tumor predisposition; Hereditary Cancer Syndrome; Hereditary neoplastic syndrome. Identifiers: Orphanet 140162, MedGen C0027672, MeSH D009386, MONDO:0015356.

gnomAD v4.1: 1 of 1,614,170 alleles (0.000062%); highest among the groups gnomAD compares: Admixed American, 0.0017%; no homozygotes.

Submission:

Ambry Genetics
Classification: Uncertain significance for Hereditary cancer-predisposing syndrome. Last evaluated: 2026-03-09. Review status: criteria provided, single submitter. Criteria: Ambry Variant Classification Scheme 2023. Collection method: clinical testing. Allele origin: germline.
Comment: The p.L325P variant (also known as c.974T>C), located in coding exon 6 of the MSH3 gene, results from a T to C substitution at nucleotide position 974. The leucine at codon 325 is replaced by proline, an amino acid with similar properties. This amino acid position is conserved. In addition, the in silico prediction for this alteration is inconclusive. Based on the available evidence, the clinical significance of this variant remains unclear.

NM_002439.5(MSH3):c.974T>C (p.Leu325Pro)

Genes: MSH3 (mutS homolog 3; plus strand), LOC126807437 (MED14-independent group 3 enhancer GRCh37_chr5:79968379-79969578; plus strand). Cytogenetic location: 5q14.1.
Variant type: single nucleotide variant.
Coding change: c.974T>C on transcript NM_002439.5 (MANE Select); coding-DNA position 974, T replaced by C.
Protein change: p.Leu325Pro; replaces leucine 325 with proline.
Molecular consequence: missense variant.
Genome position (GRCh38, 1-based): chr5:80,672,805, T>C. VCF-style: chr5-80672805-T-C. GRCh37 (hg19) VCF-style: chr5-79968624-T-C.
Other names: short protein forms L325P.
Identifiers: ClinVar variation 4829362 (VCV004829362.1).